The following is an entry in ClinVar:

NM_000059.4(BRCA2):c.3122G>C (p.Ser1041Thr)

Gene: BRCA2 (BRCA2 DNA repair associated; plus strand). Cytogenetic location: 13q13.1.
Variant type: single nucleotide variant.
Coding change: c.3122G>C on transcript NM_000059.4 (MANE Select); coding-DNA position 3122, G replaced by C.
Protein change: p.Ser1041Thr; replaces serine 1041 with threonine.
Molecular consequence: missense variant.
Genome position (GRCh38, 1-based): chr13:32,337,477, G>C. VCF-style: chr13-32337477-G-C. GRCh37 (hg19) VCF-style: chr13-32911614-G-C.
Other names: short protein forms S1041T.
Identifiers: ClinVar variation 409588 (VCV000409588.24), dbSNP rs276174832, ClinGen allele CA16613866.

ClinVar aggregate classification (germline): Conflicting classifications of pathogenicity. Review status: criteria provided, conflicting classifications (1 of 4 stars). 8 submissions from 8 submitters: Uncertain significance (6); Likely benign (1). 1 of the submissions does not count toward it. Last evaluated 2025-10-30.

Conditions:
Hereditary cancer-predisposing syndrome. Also called: Hereditary neoplastic syndrome; Neoplastic Syndromes, Hereditary; Tumor predisposition; Hereditary Cancer Syndrome. Identifiers: Orphanet 140162, MedGen C0027672, MeSH D009386, MONDO:0015356.
Hereditary breast ovarian cancer syndrome. Also called: Hereditary breast and ovarian cancer syndrome; Hereditary breast and/or ovarian cancer syndrome; BRCA1- and BRCA2-Associated Hereditary Breast and Ovarian Cancer; Hereditary breast and ovarian cancer syndrome (HBOC); Hereditary breast and ovarian cancer; Breast and ovarian cancer. Identifiers: Orphanet 145, MedGen C0677776, MeSH D061325, MONDO:0003582. Disease mechanism: loss of function.
Breast-ovarian cancer, familial, susceptibility to, 2 (BROVCA2). Also called: BRCA2 Hereditary Breast and Ovarian Cancer. Identifiers: Orphanet 145, MedGen C2675520, MONDO:0012933, OMIM 612555. Disease mechanism: loss of function.

Allele frequency attached by ClinVar (database versions not stated): gnomAD exomes below 0.00001.
gnomAD v4.1: 2 of 1,610,368 alleles (0.00012%); highest among the groups gnomAD compares: Non-Finnish European, 0.00017%; no homozygotes.

Submissions (8):

Ambry Genetics
Classification: Uncertain significance for Hereditary cancer-predisposing syndrome. Last evaluated: 2025-10-30. Review status: criteria provided, single submitter. Criteria: Ambry Variant Classification Scheme 2023. Collection method: clinical testing. Allele origin: germline.
Comment: The p.S1041T variant (also known as c.3122G>C), located in coding exon 10 of the BRCA2 gene, results from a G to C substitution at nucleotide position 3122. The serine at codon 1041 is replaced by threonine, an amino acid with similar properties. This amino acid position is not well conserved in available vertebrate species. In addition, this alteration is predicted to be tolerated by in silico analysis. Since supporting evidence is limited at this time, the clinical significance of this alteration remains unclear.

Labcorp Genetics (formerly Invitae), Labcorp
Classification: Uncertain significance for Hereditary breast ovarian cancer syndrome. Last evaluated: 2025-01-29. Review status: criteria provided, single submitter. Criteria: Invitae Variant Classification Sherloc (09022015). Collection method: clinical testing. Allele origin: germline.
Comment: This sequence change replaces serine, which is neutral and polar, with threonine, which is neutral and polar, at codon 1041 of the BRCA2 protein (p.Ser1041Thr). This variant is not present in population databases (gnomAD no frequency). This variant has not been reported in the literature in individuals affected with BRCA2-related conditions. ClinVar contains an entry for this variant (Variation ID: 409588). Invitae Evidence Modeling of protein sequence and biophysical properties (such as structural, functional, and spatial information, amino acid conservation, physicochemical variation, residue mobility, and thermodynamic stability) indicates that this missense variant is not expected to disrupt BRCA2 protein function with a negative predictive value of 95%. In summary, the available evidence is currently insufficient to determine the role of this variant in disease. Therefore, it has been classified as a Variant of Uncertain Significance.

All of Us Research Program, National Institutes of Health
Classification: Uncertain significance for Breast-ovarian cancer, familial, susceptibility to, 2. Last evaluated: 2023-10-23. Review status: criteria provided, single submitter. Criteria: ACMG Guidelines, 2015. Collection method: clinical testing. Allele origin: germline. Inheritance: Autosomal dominant inheritance. Observed: 1 variant allele, 1 heterozygote.
Comment: This missense variant replaces serine with threonine at codon 1041 of the BRCA2 protein. Computational prediction suggests that this variant may not impact protein structure and function (internally defined REVEL score threshold <= 0.5, PMID: 27666373). To our knowledge, functional studies have not been reported for this variant. This variant has been detected in individuals affected with BRCA2-associated cancers and/or relevant family histories (Color internal data). This variant has not been identified in the general population by the Genome Aggregation Database (gnomAD). The available evidence is insufficient to determine the role of this variant in disease conclusively. Therefore, this variant is classified as a Variant of Uncertain Significance.

This study involves interpretation of variants in research participants for the purpose of population health screening. Participant phenotype was not available at the time of variant classification. Additional details can be found in publication PMID: 35346344, PMCID: PMC8962531

GeneDx
Classification: Uncertain significance. Last evaluated: 2023-08-03. Review status: criteria provided, single submitter. Criteria: GeneDx Variant Classification Process June 2021. Collection method: clinical testing. Allele origin: germline. Affected: yes.
Comment: Not observed at significant frequency in large population cohorts (gnomAD); In silico analysis supports that this missense variant does not alter protein structure/function; Has not been previously published as pathogenic or benign to our knowledge; Also known as 3350G>C; This variant is associated with the following publications: (PMID: 29884841, 32377563)

University of Washington Department of Laboratory Medicine, University of Washington
Classification: Likely benign for Hereditary cancer-predisposing syndrome. Last evaluated: 2023-03-23. Review status: criteria provided, single submitter. Criteria: Dines et al. (Genet Med. 2020). Collection method: curation. Allele origin: germline.
Comment: Missense variant in a coldspot region where missense variants are very unlikely to be pathogenic (PMID:31911673).

BRCA2 exon 11 coldspot. Reclassification based on statistical prior probability.

Color Diagnostics, LLC DBA Color Health
Classification: Uncertain significance for Hereditary cancer-predisposing syndrome. Last evaluated: 2023-02-16. Review status: criteria provided, single submitter. Criteria: ACMG Guidelines, 2015. Collection method: clinical testing. Allele origin: germline.
Comment: This missense variant replaces serine with threonine at codon 1041 of the BRCA2 protein. Computational prediction suggests that this variant may not impact protein structure and function (internally defined REVEL score threshold <= 0.5, PMID: 27666373). To our knowledge, functional studies have not been reported for this variant. This variant has been detected in individuals affected with BRCA2-associated cancers and/or relevant family histories (Color internal data). This variant has not been identified in the general population by the Genome Aggregation Database (gnomAD). The available evidence is insufficient to determine the role of this variant in disease conclusively. Therefore, this variant is classified as a Variant of Uncertain Significance.

Women's Health and Genetics/Laboratory Corporation of America, LabCorp
Classification: Uncertain significance. Last evaluated: 2022-08-14. Review status: criteria provided, single submitter. Criteria: LabCorp Variant Classification Summary - May 2015. Collection method: clinical testing. Allele origin: germline.

Counsyl
Classification: Uncertain significance for Breast-ovarian cancer, familial, susceptibility to, 2. Last evaluated: 2018-04-02. Review status: no assertion criteria provided. Collection method: clinical testing. Allele origin: unknown. Not counted in ClinVar's aggregate classification.